The following is an entry in ClinVar:

NM_000292.3(PHKA2):c.2909-3C>T

Gene: PHKA2 (phosphorylase kinase regulatory subunit alpha 2; minus strand). Cytogenetic location: Xp22.13.
Variant type: single nucleotide variant.
Coding change: c.2909-3C>T on transcript NM_000292.3 (MANE Select); 3 bases into the intron before coding-DNA position 2909, C replaced by T.
Molecular consequence: intron variant.
Genome position (GRCh38, 1-based): chrX:18,901,606, G>A on the plus strand (C>T on the coding strand, the complement: PHKA2 is on the minus strand). VCF-style: chrX-18901606-G-A. GRCh37 (hg19) VCF-style: chrX-18919724-G-A.
Other names: NC_000023.10:g.18919724G>A.
Identifiers: ClinVar variation 508932 (VCV000508932.2), dbSNP rs780902293, ClinGen allele CA10361498.
Genomic context (GRCh38, chrX:18,901,606, plus strand): 5'-TGGCCCACCTCGTGGATGGAGATGGTAGGGCTGGATGTGGAGGAGTGGATAGGGCGCACT[G>A]GGTGGGAAACACACACACGTGGTTCTCAGGAACTCTACAGCATCCAACCCGAGGCAGGAT-3'

ClinVar aggregate classification (germline): Likely benign (1 of 4 stars; one submission).

Allele frequency attached by ClinVar (database versions not stated): TOPMed 0.00004; gnomAD 0.00006; gnomAD exomes 0.00004; ExAC 0.00006.
gnomAD v4.1: 55 of 1,136,691 alleles (0.0048%); highest among the groups gnomAD compares: Admixed American, 0.0066%; no homozygotes.

Submissions (2):

GeneDx
Classification: Likely benign. Last evaluated: 2017-04-24. Review status: criteria provided, single submitter. Criteria: GeneDx Variant Classification (06012015). Collection method: clinical testing. Allele origin: germline. Affected: yes.
Comment: This variant is considered likely benign or benign based on one or more of the following criteria: it is a conservative change, it occurs at a poorly conserved position in the protein, it is predicted to be benign by multiple in silico algorithms, and/or has population frequency not consistent with disease.

Dr. Peter K. Rogan Lab, Western University
No classification provided (evidence only). Condition: Melanoma. Review status: no classification provided. Collection method: in vitro. Allele origin: not applicable. Functional consequence: retained intron. Not counted in ClinVar's aggregate classification.